The following is an entry in ClinVar:

ClinVar aggregate classification (germline): Likely benign. Review status: criteria provided, multiple submitters, no conflicts (2 of 4 stars). 3 submissions from 3 submitters: Likely benign (2). 1 of the submissions does not count toward it. Last evaluated 2025-12-16.

Conditions:
ARSG-related disorder. Also called: ARSG-related condition.

Allele frequency attached by ClinVar (database versions not stated): gnomAD 0.00001; gnomAD exomes 0.00001; TOPMed 0.00002.
gnomAD v4.1: 11 of 1,613,934 alleles (0.00068%); highest among the groups gnomAD compares: Non-Finnish European, 0.00093%; no homozygotes.

Submissions (3):

Labcorp Genetics (formerly Invitae), Labcorp
Classification: Likely benign. Last evaluated: 2025-12-16. Review status: criteria provided, single submitter. Criteria: Invitae Variant Classification Sherloc (09022015). Collection method: clinical testing. Allele origin: germline.

Blueprint Genetics
Classification: Likely benign. Last evaluated: 2020-12-09. Review status: criteria provided, single submitter. Criteria: ACMG Guidelines, 2015. Collection method: clinical testing. Allele origin: germline.

PreventionGenetics, part of Exact Sciences
Classification: Likely benign for ARSG-related condition. Last evaluated: 2019-05-31. Review status: no assertion criteria provided. Collection method: clinical testing. Allele origin: germline. Not counted in ClinVar's aggregate classification.
Comment: This variant is classified as likely benign based on ACMG/AMP sequence variant interpretation guidelines (Richards et al. 2015 PMID: 25741868, with internal and published modifications).

NM_001267727.2(ARSG):c.507T>C (p.Asp169=)

Gene: ARSG (arylsulfatase G; plus strand). Cytogenetic location: 17q24.2.
Variant type: single nucleotide variant.
Coding change: c.507T>C on transcript NM_001267727.2 (MANE Select); coding-DNA position 507, T replaced by C.
Protein change: p.Asp169=; no amino-acid change (aspartic acid 169 retained).
Molecular consequence: synonymous variant.
Genome position (GRCh38, 1-based): chr17:68,351,627, T>C. VCF-style: chr17-68351627-T-C. GRCh37 (hg19) VCF-style: chr17-66347768-T-C.
Other names: c.507T>C, p.Asp169= (NM_001352899.2, NM_001352900.2, NM_001352901.2 and 8 more transcripts); c.459T>C, p.Asp153= (NM_001352909.2); c.507T>C (NM_014960.4).
Identifiers: ClinVar variation 1540483 (VCV001540483.11), dbSNP rs201163789, ClinGen allele CA293286537.